The following is an entry in ClinVar:

NM_017534.6(MYH2):c.5673+5G>A

Genes: MYH2 (myosin heavy chain 2; minus strand), MYHAS (myosin heavy chain gene cluster antisense RNA; plus strand). Cytogenetic location: 17p13.1.
Variant type: single nucleotide variant.
Coding change: c.5673+5G>A on transcript NM_017534.6 (MANE Select); 5 bases into the intron after coding-DNA position 5673, G replaced by A.
Molecular consequence: intron variant.
Genome position (GRCh38, 1-based): chr17:10,523,085, C>T on the plus strand (G>A on the coding strand, the complement: MYH2 is on the minus strand). VCF-style: chr17-10523085-C-T. GRCh37 (hg19) VCF-style: chr17-10426402-C-T.
Other names: c.5673+5G>A (NM_001100112.2).
Identifiers: ClinVar variation 2006530 (VCV002006530.4), dbSNP rs1161053398, ClinGen allele CA2580092492.

ClinVar aggregate classification (germline): Uncertain significance (1 of 4 stars; one submission).

Conditions:
Myopathy, proximal, and ophthalmoplegia (CMYO6). Also called: MYOPATHY WITH CONGENITAL JOINT CONTRACTURES, OPHTHALMOPLEGIA, AND RIMMED VACUOLES; CONGENITAL MYOPATHY 6 WITH OPHTHALMOPLEGIA; INCLUSION BODY MYOPATHY 3, AUTOSOMAL DOMINANT. Identifiers: Orphanet 363677, Orphanet 79091, MedGen C1854106, MONDO:0011577, OMIM 605637.

Submission:

Labcorp Genetics (formerly Invitae), Labcorp
Classification: Uncertain significance for Myopathy, proximal, and ophthalmoplegia. Last evaluated: 2022-06-14. Review status: criteria provided, single submitter. Criteria: Invitae Variant Classification Sherloc (09022015). Collection method: clinical testing. Allele origin: germline.
Comment: In summary, the available evidence is currently insufficient to determine the role of this variant in disease. Therefore, it has been classified as a Variant of Uncertain Significance. Variants that disrupt the consensus splice site are a relatively common cause of aberrant splicing (PMID: 17576681, 9536098). Algorithms developed to predict the effect of sequence changes on RNA splicing suggest that this variant may disrupt the consensus splice site. This variant has not been reported in the literature in individuals affected with MYH2-related conditions. This variant is not present in population databases (gnomAD no frequency). This sequence change falls in intron 39 of the MYH2 gene. It does not directly change the encoded amino acid sequence of the MYH2 protein. It affects a nucleotide within the consensus splice site.

Literature cited by the submitters: PubMed 17576681; PubMed 9536098.